The following is an entry in ClinVar:

NM_000277.3(PAH):c.32T>A (p.Leu11Ter)

Gene: PAH (phenylalanine hydroxylase; minus strand). Cytogenetic location: 12q23.2.
Variant type: single nucleotide variant.
Coding change: c.32T>A on transcript NM_000277.3 (MANE Select); coding-DNA position 32, T replaced by A.
Protein change: p.Leu11Ter; replaces leucine 11 with a stop codon.
Molecular consequence: nonsense.
Genome position (GRCh38, 1-based): chr12:102,917,099, A>T on the plus strand (T>A on the coding strand, the complement: PAH is on the minus strand). VCF-style: chr12-102917099-A-T. GRCh37 (hg19) VCF-style: chr12-103310877-A-T.
Other names: c.32T>A, p.Leu11Ter (NM_001354304.2); short protein forms L11*.
Identifiers: ClinVar variation 625287 (VCV000625287.6), dbSNP rs1346707834, ClinGen allele CA386303850.

ClinVar aggregate classification (germline): Pathogenic. Review status: reviewed by expert panel (3 of 4 stars). 2 submissions from 2 submitters: Pathogenic (1). 1 of the submissions does not count toward it. Last evaluated 2020-04-09.

Conditions:
Phenylketonuria (PKU). Also called: OLIGOPHRENIA PHENYLPYRUVICA; Phenylketonurias; FOLLING DISEASE; Phenylketonuria (PKU). Identifiers: Orphanet 716, MedGen C0031485, MONDO:0009861, OMIM 261600. Disease mechanism: loss of function.

gnomAD v4.1: 1 of 1,614,190 alleles (0.000062%); highest among the groups gnomAD compares: South Asian, 0.0011%; no homozygotes.

Submissions (2):

ClinGen PAH Variant Curation Expert Panel
Classification: Pathogenic for Phenylketonuria. Last evaluated: 2020-04-09. Review status: reviewed by expert panel. Criteria: ClinGen PAH ACMG Specifications v1. Collection method: curation. Allele origin: germline. Inheritance: Autosomal recessive inheritance.
Comment: The p.L11* variant in PAH is a null variant (nonsense variant) in a gene where LOF is a known mechanism of disease, leading to premature truncation and NMD (PVS1). It is absent from ethnically diverse control databases, including gnomAD/ExAC, 1000 Genomes, and ESP (PM2). BH4 deficiency was formally excluded by urinary pterin analysis (PP4_Moderate). The patient was compound heterozygous for the variant (confirmed by parental testing) and carried it in trans with the p.R413P variant (known pathogenic per PAH ClinGen working group) (PM3). It is also reported in ClinVar (ID 625287) as a de novo variant by one lab, in a case with PKU; no further information is given.

Center for Molecular Medicine, Children’s Hospital of Fudan University
Classification: Pathogenic for Phenylketonuria. Last evaluated: 2019-03-08. Review status: no assertion criteria provided. Collection method: clinical testing. Allele origin: de novo. Affected: yes. Not counted in ClinVar's aggregate classification.